The following is an entry in ClinVar:

ClinVar aggregate classification (germline): Likely benign (0 of 4 stars; one submission).

Conditions:
TOR1A-related disorder. Also called: TOR1A-related condition; TOR1A-related disorders.

Allele frequency attached by ClinVar (database versions not stated): TOPMed 0.00001.

Submission:

PreventionGenetics, part of Exact Sciences
Classification: Likely benign for TOR1A-related condition. Last evaluated: 2021-09-13. Review status: no assertion criteria provided. Collection method: clinical testing. Allele origin: germline.
Comment: This variant is classified as likely benign based on ACMG/AMP sequence variant interpretation guidelines (Richards et al. 2015 PMID: 25741868, with internal and published modifications).

NM_000113.3(TOR1A):c.894C>T (p.Ser298=)

Gene: TOR1A (torsin family 1 member A; minus strand). Cytogenetic location: 9q34.11.
Variant type: single nucleotide variant.
Coding change: c.894C>T on transcript NM_000113.3 (MANE Select); coding-DNA position 894, C replaced by T.
Protein change: p.Ser298=; no amino-acid change (serine 298 retained).
Molecular consequence: synonymous variant.
Genome position (GRCh38, 1-based): chr9:129,814,077, G>A on the plus strand (C>T on the coding strand, the complement: TOR1A is on the minus strand). VCF-style: chr9-129814077-G-A. GRCh37 (hg19) VCF-style: chr9-132576356-G-A.
Identifiers: ClinVar variation 3048781 (VCV003048781.2), dbSNP rs1189133538, ClinGen allele CA467493717.
Genomic context (GRCh38, chr9:129,814,077, plus strand): 5'-GCCTTTATCTGAGAAAACTCTCTCCTCTTTGGGGAAAAATGTCATCTCCTCAGCCACTCT[G>A]CTTACAATGTCTTCATCAATTTCATAGCCTCGGGACTGCATTTCCACTCGGATACACATT-3'
Protein context (NP_000104.1, residues 288-308): RGYEIDEDIV[Ser298=]RVAEEMTFFP